The following continues an entry in ClinVar:

NM_000059.4(BRCA2):c.7878G>A (p.Trp2626Ter)

Gene: BRCA2. ClinVar aggregate classification (germline): Pathogenic. Pathogenic (1).

Submissions 10 to 16 of 16:

Revvity Omics, Revvity
Classification: Pathogenic. Last evaluated: 2019-11-15. Review status: criteria provided, single submitter. Criteria: ACMG Guidelines, 2015. Collection method: clinical testing. Allele origin: germline. Not counted in ClinVar's aggregate classification.

Consortium of Investigators of Modifiers of BRCA1/2 (CIMBA), c/o University of Cambridge
Classification: Pathogenic for Breast-ovarian cancer, familial, susceptibility to, 2. Last evaluated: 2015-10-02. Review status: criteria provided, single submitter. Criteria: CIMBA Mutation Classification guidelines May 2016. Collection method: clinical testing. Allele origin: germline. Not counted in ClinVar's aggregate classification.

Counsyl
Classification: Pathogenic for Breast-ovarian cancer, familial, susceptibility to, 2. Last evaluated: 2016-09-07. Review status: no assertion criteria provided. Collection method: clinical testing. Allele origin: unknown. Not counted in ClinVar's aggregate classification.

Research Molecular Genetics Laboratory, Women's College Hospital, University of Toronto
Classification: Pathogenic for Hereditary breast ovarian cancer syndrome. Last evaluated: 2014-01-31. Review status: no assertion criteria provided. Collection method: research. Allele origin: germline. Affected: yes. Study: The Canadian Open Genetics Repository (COGR). Not counted in ClinVar's aggregate classification.

Sharing Clinical Reports Project (SCRP)
Classification: Pathogenic for Breast-ovarian cancer, familial 2. Last evaluated: 2013-03-12. Review status: no assertion criteria provided. Collection method: clinical testing. Allele origin: germline. Not counted in ClinVar's aggregate classification.

Breast Cancer Information Core (BIC) (BRCA2)
Classification: Uncertain significance for Breast-ovarian cancer, familial 2. Last evaluated: 2013-02-20. Review status: no assertion criteria provided. Collection method: clinical testing. Allele origin: somatic. Affected: yes. Observed: 1 variant allele. Not counted in ClinVar's aggregate classification.

Department of Pathology and Laboratory Medicine, Sinai Health System
Classification: Pathogenic for Malignant tumor of breast. Review status: no assertion criteria provided. Collection method: clinical testing. Allele origin: unknown. Affected: yes. Observed: 1 variant allele. Study: The Canadian Open Genetics Repository (COGR). Not counted in ClinVar's aggregate classification.
Comment: The BRCA2 p.Trp2626X variant was identified in 6 of 1438 proband chromosomes (frequency: 0.004) from multiethnic Asian individuals or families with high risk breast cancer; the variant being frequent in the Hong Kong population (Kwong 2012, Kwong 2015). The variant was also identified in dbSNP (ID: rs80359013) â€šÃ„ÃºWith Pathogenicâ€šÃ„Ã¹ allele, ClinVar (classified as pathogenic, reviewed by expert panel; submitters: ENIGMA, Counsyl, Invitae, Ambry Genetics, GeneDx, SCRP and CIMBA), Clinvitae (4x), BIC Database (1x, with unknown clinical importance, class 3-uncertain significance), and ARUP Laboratories (5-definitely pathogenic). The variant was not identified in GeneInsight-COGR, Cosmic, MutDB, LOVD 3.0, UMD-LSDB, Zhejiang Colon Cancer Database, the 1000 Genomes Project, the NHLBI GO Exome Sequencing Project or the Exome Aggregation Consortium (August 8th 2016) control databases. The variant was also identified by our laboratory in 3 individuals at risk of familial breast cancer. The p.Trp2626X variant leads to a premature stop codon at position 2626, which is predicted to lead to a truncated or absent protein and loss of function. Loss of function variants of the BRCA2 gene are an established mechanism of disease in hereditary breast and ovarian cancer and is the type of variant expected to cause the disorder. In summary, based on the above information this variant meets our laboratoryâ€šÃ„Ã´s criteria to be classified as pathogenic.

Literature cited by the submitters: PubMed 20104584 (cited by Labcorp Genetics (formerly Invitae), Labcorp and GeneKor MSA); PubMed 21218378 (cited by 5 submitters); PubMed 22970155 (cited by 3 submitters); PubMed 25452441 (cited by 5 submitters); PubMed 26187060 (cited by 4 submitters); PubMed 33471991 (cited by Color Diagnostics, LLC DBA Color Health); PubMed 21702907 (cited by Women's Health and Genetics/Laboratory Corporation of America, LabCorp).